The following is an entry in ClinVar:

NM_182961.4(SYNE1):c.4008+5G>T

Gene: SYNE1 (spectrin repeat containing nuclear envelope protein 1; minus strand). Cytogenetic location: 6q25.2.
Variant type: single nucleotide variant.
Coding change: c.4008+5G>T on transcript NM_182961.4 (MANE Select); 5 bases into the intron after coding-DNA position 4008, G replaced by T.
Molecular consequence: intron variant.
Genome position (GRCh38, 1-based): chr6:152,442,070, C>A on the plus strand (G>T on the coding strand, the complement: SYNE1 is on the minus strand). VCF-style: chr6-152442070-C-A. GRCh37 (hg19) VCF-style: chr6-152763205-C-A.
Other names: c.4029+5G>T (NM_033071.5).
Identifiers: ClinVar variation 1377069 (VCV001377069.6), dbSNP rs1350714036, ClinGen allele CA2573140681.

ClinVar aggregate classification (germline): Uncertain significance (1 of 4 stars; one submission).

Conditions:
Emery-Dreifuss muscular dystrophy 4, autosomal dominant (EDMD4). Also called: EMERY-DREIFUSS MUSCULAR DYSTROPHY 4 WITH VARIABLE FEATURES. Identifiers: Orphanet 261, MedGen C2751807, MONDO:0013071, OMIM 612998.
Autosomal recessive ataxia, Beauce type. Also called: SYNE1-Related Autosomal Recessive Cerebellar Ataxia; Spinocerebellar ataxia, autosomal recessive 8; ATAXIA, RECESSIVE, OF BEAUCE; SYNE1 Deficiency. Identifiers: Orphanet 88644, MedGen C1853116, MONDO:0012549, OMIM 610743.

Submission:

Labcorp Genetics (formerly Invitae), Labcorp
Classification: Uncertain significance for Emery-Dreifuss muscular dystrophy 4, autosomal dominant; Autosomal recessive ataxia, Beauce type. Last evaluated: 2022-03-22. Review status: criteria provided, single submitter. Criteria: Invitae Variant Classification Sherloc (09022015). Collection method: clinical testing. Allele origin: germline.
Comment: This sequence change falls in intron 31 of the SYNE1 gene. It does not directly change the encoded amino acid sequence of the SYNE1 protein. It affects a nucleotide within the consensus splice site. In summary, the available evidence is currently insufficient to determine the role of this variant in disease. Therefore, it has been classified as a Variant of Uncertain Significance. Variants that disrupt the consensus splice site are a relatively common cause of aberrant splicing (PMID: 17576681, 9536098). Algorithms developed to predict the effect of sequence changes on RNA splicing suggest that this variant is not likely to affect RNA splicing. This variant has not been reported in the literature in individuals affected with SYNE1-related conditions. This variant is not present in population databases (gnomAD no frequency).

Literature cited by the submitters: PubMed 17576681; PubMed 9536098.